The following is an entry in ClinVar:

ClinVar aggregate classification (germline): Likely benign. Review status: criteria provided, multiple submitters, no conflicts (2 of 4 stars). 4 submissions from 4 submitters: Likely benign (4). Last evaluated 2025-09-27.

Conditions:
Cardiovascular phenotype. Identifiers: MedGen CN230736.
Catecholaminergic polymorphic ventricular tachycardia (CVPT). Also called: Catecholamine-induced polymorphic ventricular tachycardia. Identifiers: Orphanet 3286, MedGen C5574922, MONDO:0017990.
Catecholaminergic polymorphic ventricular tachycardia 1. Also called: VENTRICULAR TACHYCARDIA, STRESS-INDUCED POLYMORPHIC 1; VENTRICULAR TACHYCARDIA, CATECHOLAMINERGIC POLYMORPHIC, 1, WITH OR WITHOUT ATRIAL DYSFUNCTION AND/OR DILATED CARDIOMYOPATHY; RYR2-Related Catecholaminergic Polymorphic Ventricular Tachycardia. Identifiers: Orphanet 3286, MedGen C1631597, MONDO:0011484, OMIM 604772.
Cardiomyopathy (CMYO). Also called: Cardiomyopathies. Identifiers: Orphanet 167848, MedGen C0878544, MONDO:0004994, HP:0001638. Inheritance: Various modes of inheritance.

Allele frequency attached by ClinVar (database versions not stated): gnomAD exomes below 0.00001; gnomAD 0.00001.
gnomAD v4.1: 2 of 1,613,900 alleles (0.00012%); highest among the groups gnomAD compares: East Asian, 0.0022%; no homozygotes.

Submissions (4):

Labcorp Genetics (formerly Invitae), Labcorp
Classification: Likely benign for Catecholaminergic polymorphic ventricular tachycardia 1. Last evaluated: 2025-09-27. Review status: criteria provided, single submitter. Criteria: Invitae Variant Classification Sherloc (09022015). Collection method: clinical testing. Allele origin: germline.

All of Us Research Program, National Institutes of Health
Classification: Likely benign for Catecholaminergic polymorphic ventricular tachycardia. Last evaluated: 2023-03-23. Review status: criteria provided, single submitter. Criteria: ACMG Guidelines, 2015. Collection method: clinical testing. Allele origin: germline. Inheritance: Autosomal dominant inheritance. Observed: 1 variant allele, 1 heterozygote.
Comment: This study involves interpretation of variants in research participants for the purpose of population health screening. Participant phenotype was not available at the time of variant classification. Additional details can be found in publication PMID: 35346344, PMCID: PMC8962531

Color Diagnostics, LLC DBA Color Health
Classification: Likely benign for Cardiomyopathy. Last evaluated: 2022-08-08. Review status: criteria provided, single submitter. Criteria: ACMG Guidelines, 2015. Collection method: clinical testing. Allele origin: germline.

Ambry Genetics
Classification: Likely benign for Cardiovascular phenotype. Last evaluated: 2019-05-26. Review status: criteria provided, single submitter. Criteria: Ambry Variant Classification Scheme 2023. Collection method: clinical testing. Allele origin: germline.

NM_001035.3(RYR2):c.750A>G (p.Gly250=)

Gene: RYR2 (ryanodine receptor 2; plus strand). Cytogenetic location: 1q43.
Variant type: single nucleotide variant.
Coding change: c.750A>G on transcript NM_001035.3 (MANE Select); coding-DNA position 750, A replaced by G.
Protein change: p.Gly250=; no amino-acid change (glycine 250 retained).
Molecular consequence: synonymous variant.
Genome position (GRCh38, 1-based): chr1:237,388,160, A>G. VCF-style: chr1-237388160-A-G. GRCh37 (hg19) VCF-style: chr1-237551460-A-G.
Identifiers: ClinVar variation 764522 (VCV000764522.16), dbSNP rs1572095976, ClinGen allele CA423809447.